The following is an entry in ClinVar:

NM_177438.3(DICER1):c.3616A>G (p.Lys1206Glu)

Gene: DICER1 (dicer 1, ribonuclease III; minus strand). Cytogenetic location: 14q32.13.
Variant type: single nucleotide variant.
Coding change: c.3616A>G on transcript NM_177438.3 (MANE Select); coding-DNA position 3616, A replaced by G.
Protein change: p.Lys1206Glu; replaces lysine 1206 with glutamic acid.
Molecular consequence: missense variant.
Genome position (GRCh38, 1-based): chr14:95,103,780, T>C on the plus strand (A>G on the coding strand, the complement: DICER1 is on the minus strand). VCF-style: chr14-95103780-T-C. GRCh37 (hg19) VCF-style: chr14-95570117-T-C.
Other names: c.3616A>G, p.Lys1206Glu (NM_001195573.1, NM_001271282.3, NM_001291628.2 and 1 more transcripts); short protein forms K1206E.
Identifiers: ClinVar variation 315106 (VCV000315106.18), dbSNP rs886050942, ClinGen allele CA10635644.
Genomic context (GRCh38, chr14:95,103,780, plus strand): 5'-CGTAACTGTATAAATTCTGAATGGAATATGAGGTAGTTGGTTGCACGGGTATTTCCTGCT[T>C]GTAGTAATTTAGCTGATTTCCTTGGCAAAAGTCTCTGTTAGCTAAATCATAACTGCCATT-3'
Protein context (NP_803187.1, residues 1196-1216): FCQGNQLNYY[Lys1206Glu]QEIPVQPTTS

ClinVar aggregate classification (germline): Uncertain significance. Review status: criteria provided, multiple submitters, no conflicts (2 of 4 stars). 3 submissions from 3 submitters: Uncertain significance (3). Last evaluated 2024-08-19.

Conditions:
Hereditary cancer-predisposing syndrome. Also called: Neoplastic Syndromes, Hereditary; Tumor predisposition; Hereditary Cancer Syndrome; Hereditary neoplastic syndrome. Identifiers: Orphanet 140162, MedGen C0027672, MeSH D009386, MONDO:0015356.
DICER1-related tumor predisposition. Also called: DICER1-related pleuropulmonary blastoma cancer predisposition syndrome; DICER1 syndrome. Identifiers: Orphanet 284343, MedGen C3839822, MONDO:0100216.

Allele frequency attached by ClinVar (database versions not stated): gnomAD exomes below 0.00001.
gnomAD v4.1: 1 of 1,614,204 alleles (0.000062%); highest among the groups gnomAD compares: Non-Finnish European, 0.000085%; no homozygotes.

Submissions (3):

Labcorp Genetics (formerly Invitae), Labcorp
Classification: Uncertain significance for DICER1-related tumor predisposition. Last evaluated: 2024-08-19. Review status: criteria provided, single submitter. Criteria: Invitae Variant Classification Sherloc (09022015). Collection method: clinical testing. Allele origin: germline.
Comment: This sequence change replaces lysine, which is basic and polar, with glutamic acid, which is acidic and polar, at codon 1206 of the DICER1 protein (p.Lys1206Glu). This variant is not present in population databases (gnomAD no frequency). This variant has not been reported in the literature in individuals affected with DICER1-related conditions. ClinVar contains an entry for this variant (Variation ID: 315106). Invitae Evidence Modeling of protein sequence and biophysical properties (such as structural, functional, and spatial information, amino acid conservation, physicochemical variation, residue mobility, and thermodynamic stability) indicates that this missense variant is not expected to disrupt DICER1 protein function with a negative predictive value of 80%. In summary, the available evidence is currently insufficient to determine the role of this variant in disease. Therefore, it has been classified as a Variant of Uncertain Significance.

Ambry Genetics
Classification: Uncertain significance for Hereditary cancer-predisposing syndrome. Last evaluated: 2024-06-18. Review status: criteria provided, single submitter. Criteria: Ambry Variant Classification Scheme 2023. Collection method: clinical testing. Allele origin: germline.
Comment: The p.K1206E variant (also known as c.3616A>G), located in coding exon 20 of the DICER1 gene, results from an A to G substitution at nucleotide position 3616. The lysine at codon 1206 is replaced by glutamic acid, an amino acid with similar properties. This amino acid position is not well conserved in available vertebrate species. In addition, the in silico prediction for this alteration is inconclusive. Based on the available evidence, the clinical significance of this variant remains unclear.

Illumina Laboratory Services, Illumina
Classification: Uncertain significance for Pleuropulmonary blastoma. Last evaluated: 2018-01-13. Review status: criteria provided, single submitter. Criteria: ICSL Variant Classification Criteria 13 December 2019. Collection method: clinical testing. Allele origin: germline.